The following is an entry in ClinVar:

ClinVar aggregate classification (germline): Pathogenic/Likely pathogenic. Review status: criteria provided, multiple submitters, no conflicts (2 of 4 stars). 2 submissions from 2 submitters: Pathogenic (1); Likely pathogenic (1). Last evaluated 2023-07-10.

Conditions:
Renal carnitine transport defect (CDSP). Also called: CARNITINE DEFICIENCY, SYSTEMIC, DUE TO DEFECT IN RENAL REABSORPTION OF CARNITINE; CARNITINE TRANSPORTER, PLASMA-MEMBRANE, DEFICIENCY OF; CARNITINE UPTAKE DEFECT; Carnitine transporter deficiency; Systemic primary carnitine deficiency disease; Carnitine Deficiency, Systemic. Identifiers: Orphanet 158, MedGen C0342788, MONDO:0008919, OMIM 212140.

Submissions (2):

Labcorp Genetics (formerly Invitae), Labcorp
Classification: Pathogenic for Renal carnitine transport defect. Last evaluated: 2023-07-10. Review status: criteria provided, single submitter. Criteria: Invitae Variant Classification Sherloc (09022015). Collection method: clinical testing. Allele origin: germline.
Comment: For these reasons, this variant has been classified as Pathogenic. This sequence change creates a premature translational stop signal (p.Arg282Profs*10) in the SLC22A5 gene. It is expected to result in an absent or disrupted protein product. Loss-of-function variants in SLC22A5 are known to be pathogenic (PMID: 9916797). This variant is present in population databases (no rsID available, gnomAD 0.003%). This variant has not been reported in the literature in individuals affected with SLC22A5-related conditions. ClinVar contains an entry for this variant (Variation ID: 1070906).

Fulgent Genetics
Classification: Likely pathogenic for Renal carnitine transport defect. Last evaluated: 2021-07-31. Review status: criteria provided, single submitter. Criteria: ACMG Guidelines, 2015. Collection method: clinical testing. Allele origin: unknown.

Literature cited by the submitters: PubMed 9916797 (cited by Labcorp Genetics (formerly Invitae), Labcorp).

NM_003060.4(SLC22A5):c.844dup (p.Arg282fs)

Gene: SLC22A5 (solute carrier family 22 member 5; plus strand). Cytogenetic location: 5q31.1.
Variant type: Duplication.
Coding change: c.844dup on transcript NM_003060.4 (MANE Select); coding-DNA position 844, one base duplicated (C; older notation c.844dupC).
Protein change: p.Arg282fs; shifts the reading frame from arginine 282.
Molecular consequence: frameshift variant.
Genome position (GRCh38, 1-based): chr5:132,387,044, C duplicated; the last of 6 consecutive C bases (chr5:132,387,039-132,387,044); duplicating any one gives the same sequence. VCF-style (leftmost placement, unchanged base first): chr5-132387038-T-TC. GRCh37 (hg19) VCF-style: chr5-131722730-T-TC.
Other names: c.916dup, p.Arg306fs (NM_001308122.2); short protein forms R282fs, R306fs.
Identifiers: ClinVar variation 1070906 (VCV001070906.11), dbSNP rs386134209, ClinGen allele CA562770616.